The following is an entry in ClinVar:

ClinVar aggregate classification (germline): Pathogenic. Review status: criteria provided, multiple submitters, no conflicts (2 of 4 stars). 3 submissions from 3 submitters: Pathogenic (3). Last evaluated 2025-03-01.

Conditions:
Mucopolysaccharidosis, MPS-IV-A (MPS4A). Also called: MPS IVA; Morquio syndrome A, mild; GALACTOSAMINE-6-SULFATASE DEFICIENCY; GALNS DEFICIENCY; MORQUIO A DISEASE; Mucopolysaccharidosis type IV A. Identifiers: Orphanet 309297, Orphanet 582, MedGen C0086651, MONDO:0009659, OMIM 253000.

Submissions (3):

Labcorp Genetics (formerly Invitae), Labcorp
Classification: Pathogenic for Mucopolysaccharidosis, MPS-IV-A. Last evaluated: 2025-03-01. Review status: criteria provided, single submitter. Criteria: Invitae Variant Classification Sherloc (09022015). Collection method: clinical testing. Allele origin: germline.
Comment: This sequence change creates a premature translational stop signal (p.His398Thrfs*43) in the GALNS gene. It is expected to result in an absent or disrupted protein product. Loss-of-function variants in GALNS are known to be pathogenic (PMID: 12442278). This variant is not present in population databases (gnomAD no frequency). This premature translational stop signal has been observed in individual(s) with mucopolysaccharidosis type IVA (PMID: 34387910). ClinVar contains an entry for this variant (Variation ID: 849188). For these reasons, this variant has been classified as Pathogenic.

Genome-Nilou Lab
Classification: Pathogenic for Mucopolysaccharidosis, MPS-IV-A. Last evaluated: 2021-11-07. Review status: criteria provided, single submitter. Criteria: ACMG Guidelines, 2015. Collection method: clinical testing. Allele origin: germline. Affected: no.

Laboratory of Diagnosis and Therapy of Lysosomal Disorders, University of Padova
Classification: Pathogenic for Mucopolysaccharidosis, MPS-IV-A. Last evaluated: 2021-02-01. Review status: criteria provided, single submitter. Criteria: ACMG Guidelines, 2015. Collection method: research. Allele origin: germline. Affected: yes.
Comment: Frameshift variant (PVS1_very strong); in vivo functional studies supportive of a damaging effect on the gene product (low to null enzymatic activity in homozygotes; PS3_supporting); absent from gnomAD v2.1.1 (PM2_moderate)

Literature cited by the submitters: PubMed 12442278 (cited by Labcorp Genetics (formerly Invitae), Labcorp); PubMed 34387910 (cited by Labcorp Genetics (formerly Invitae), Labcorp and Laboratory of Diagnosis and Therapy of Lysosomal Disorders, University of Padova).

NM_000512.5(GALNS):c.1192del (p.His398fs)

Gene: GALNS (galactosamine (N-acetyl)-6-sulfatase; minus strand). Cytogenetic location: 16q24.3.
Variant type: Deletion.
Coding change: c.1192del on transcript NM_000512.5 (MANE Select); coding-DNA position 1192, one base deleted (C; older notation c.1192delC).
Protein change: p.His398fs; shifts the reading frame from histidine 398.
Molecular consequence: frameshift variant.
Genome position (GRCh38, 1-based): chr16:88,824,817, G deleted on the plus strand (C on the coding strand, the reverse complement: GALNS is on the minus strand). VCF-style (leftmost placement, unchanged base first): chr16-88824816-TG-T. GRCh37 (hg19) VCF-style: chr16-88891224-TG-T.
Other names: c.637del, p.His213fs (NM_001323543.2); c.1210del, p.His404fs (NM_001323544.2); short protein forms H213fs, H398fs, H404fs.
Identifiers: ClinVar variation 849188 (VCV000849188.13), dbSNP rs1910636198, ClinGen allele CA916083510.